The following is an entry in ClinVar:

NM_001940.4(ATN1):c.3177_3178insGACCTG (p.Ser1059_His1060insAspLeu)

Gene: ATN1 (atrophin 1; plus strand). Cytogenetic location: 12p13.31.
Variant type: Insertion.
Coding change: c.3177_3178insGACCTG on transcript NM_001940.4 (MANE Select); coding-DNA positions 3177 to 3178, GACCTG inserted.
Protein change: p.Ser1059_His1060insAspLeu.
Molecular consequence: inframe insertion.
Genome position: GRCh38 VCF-style: chr12-6939139-C-CGGACCT. GRCh37 (hg19) VCF-style: chr12-7048302-C-CGGACCT.
Other names: c.3177_3178insGACCTG, p.Ser1059_His1060insAspLeu (NM_001007026.2).
Identifiers: ClinVar variation 451008 (VCV000451008.2), dbSNP rs1064795494, ClinGen allele CA658658118.
Genomic context (GRCh38, chr12:6,939,139, plus strand): 5'-TGGCCCGGCTGCAGATGCTCAATGTGACTCCCCATCACCACCAGCACTCCCACATCCACT[C>CGGACCT]GCACCTGCACCTGCACCAGCAAGATGCTATCCATGCAGGTGAGACCCCTCCTTCCTTGCC-3'

ClinVar aggregate classification (germline): Uncertain significance (1 of 4 stars; one submission).

Submission:

GeneDx
Classification: Uncertain significance. Last evaluated: 2017-08-17. Review status: criteria provided, single submitter. Criteria: GeneDx Variant Classification (06012015). Collection method: clinical testing. Allele origin: germline. Affected: yes.
Comment: The c.3177_3178insGACCTG variant in the ATN1 gene has not been reported previously as a pathogenic variant nor as a benign variant, to our knowledge. The c.3177_3178insGACCTG variant is not observed in large population cohorts (Lek et al., 2016; 1000 Genomes Consortium et al., 2015; Exome Variant Server). The c.3177_3178insGACCTG variant causes an in-frame insertion of two incorrect amino acid residues, denoted p.Ser1059_His1060insAspLeu. To date only trinucleotide repeat expansions have been reported in the Human Gene Mutation Database in association with ATN1-related disorders (Stenson et al., 2014). We interpret c.3177_3178insGACCTG as a variant of uncertain significance.